The following is an entry in ClinVar:

NM_001197104.2(KMT2A):c.6305del (p.Pro2102fs)

Gene: KMT2A (lysine methyltransferase 2A; plus strand). Cytogenetic location: 11q23.3.
Variant type: Deletion.
Coding change: c.6305del on transcript NM_001197104.2 (MANE Select); coding-DNA position 6305, one base deleted (C; older notation c.6305delC).
Protein change: p.Pro2102fs; shifts the reading frame from proline 2102.
Molecular consequence: frameshift variant.
Genome position (GRCh38, 1-based): chr11:118,501,133, C deleted; the last of 2 consecutive C bases (chr11:118,501,132-118,501,133); deleting either gives the same sequence. VCF-style (leftmost placement, unchanged base first): chr11-118501131-TC-T. GRCh37 (hg19) VCF-style: chr11-118371846-TC-T.
Other names: c.6305delC (NM_001197104.1); c.6296del, p.Pro2099fs (NM_005933.4); short protein forms P2102fs, P2099fs.
Identifiers: ClinVar variation 524116 (VCV000524116.2), dbSNP rs1555045506, ClinGen allele CA658797807.
Genomic context (GRCh38, chr11:118,501,131, plus strand): 5'-CGTAGAGCCGGATATCAACAGCACTGTTGAACATGATGAAAACAGGACCATTGCCCATAG[TC>T]CAACATCTTTTACAGGTTAGTCTTGAATCAAGATGGGACTTGAGGCTGGGCACAGTGGCT-3'

ClinVar aggregate classification (germline): Pathogenic (1 of 4 stars; one submission).

Submission:

GeneDx
Classification: Pathogenic. Last evaluated: 2018-04-24. Review status: criteria provided, single submitter. Criteria: GeneDx Variant Classification (06012015). Collection method: clinical testing. Allele origin: germline. Affected: yes.
Comment: The c.6305delC variant in the KMT2A gene has not been reported previously as a pathogenic variant nor as a benign variant, to our knowledge. The c.6305delC variant causes a frameshift starting with codon Proline 2102, changes this amino acid to a Glutamine residue, and creates a premature Stop codon at position 19 of the new reading frame, denoted p.Pro2102GlnfsX19. This variant is predicted to cause loss of normal protein function either through protein truncation or nonsense-mediated mRNA decay. The c.6305delC variant is not observed in large population cohorts (Lek et al., 2016).